The following is an entry in ClinVar:

NM_177438.3(DICER1):c.1857C>T (p.Asp619=)

Gene: DICER1 (dicer 1, ribonuclease III; minus strand). Cytogenetic location: 14q32.13.
Variant type: single nucleotide variant.
Coding change: c.1857C>T on transcript NM_177438.3 (MANE Select); coding-DNA position 1857, C replaced by T.
Protein change: p.Asp619=; no amino-acid change (aspartic acid 619 retained).
Molecular consequence: synonymous variant.
Genome position (GRCh38, 1-based): chr14:95,115,717, G>A on the plus strand (C>T on the coding strand, the complement: DICER1 is on the minus strand). VCF-style: chr14-95115717-G-A. GRCh37 (hg19) VCF-style: chr14-95582054-G-A.
Other names: c.1857C>T, p.Asp619= (NM_001195573.1, NM_001271282.3, NM_001291628.2 and 1 more transcripts).
Identifiers: ClinVar variation 417091 (VCV000417091.20), dbSNP rs747735065, ClinGen allele CA7331385.
Genomic context (GRCh38, chr14:95,115,717, plus strand): 5'-GATGCCATACCTATTGATGTGTCCAATGGCCGTGTTGATTGTGACTCGTGGACCACCATC[G>A]TCAGGCCTCAACACATATGGTGGGAAAACGTCATCATCATCCATGACAGGATCAATGTCA-3'
Protein context (NP_803187.1, residues 609-629): DVFPPYVLRP[Asp619=]DGGPRVTINT

ClinVar aggregate classification (germline): Benign/Likely benign. Review status: criteria provided, multiple submitters, no conflicts (2 of 4 stars). 5 submissions from 5 submitters: Benign (2); Likely benign (3). Last evaluated 2026-04-16.

Conditions:
DICER1-related disorder. Also called: DICER1-related condition.
DICER1-related tumor predisposition. Also called: DICER1 syndrome; DICER1-related pleuropulmonary blastoma cancer predisposition syndrome. Identifiers: Orphanet 284343, MedGen C3839822, MONDO:0100216.
Hereditary cancer-predisposing syndrome. Also called: Hereditary Cancer Syndrome; Tumor predisposition; Hereditary neoplastic syndrome; Neoplastic Syndromes, Hereditary. Identifiers: Orphanet 140162, MedGen C0027672, MeSH D009386, MONDO:0015356.
Pleuropulmonary blastoma (PPB). Identifiers: Orphanet 64742, MedGen C1266144, MONDO:0011014, OMIM 601200, HP:0100528.

Allele frequency attached by ClinVar (database versions not stated): gnomAD 0.00001 and 0.00003; TOPMed 0.00001; gnomAD exomes 0.00002 and 0.00004; ExAC 0.00004.
gnomAD v4.1: 37 of 1,614,066 alleles (0.0023%); highest among the groups gnomAD compares: South Asian, 0.0066%; no homozygotes.

Submissions (5):

Myriad Genetics, Inc.
Classification: Benign for DICER1-related tumor predisposition. Last evaluated: 2026-04-16. Review status: criteria provided, single submitter. Criteria: Myriad Autosomal Dominant, Autosomal Recessive and X-Linked Classification Criteria (2023). Collection method: clinical testing. Allele origin: unknown.
Comment: This variant is considered benign. This variant is a silent/synonymous amino acid change and it is not expected to impact splicing.

Labcorp Genetics (formerly Invitae), Labcorp
Classification: Likely benign for DICER1-related tumor predisposition. Last evaluated: 2025-11-27. Review status: criteria provided, single submitter. Criteria: Invitae Variant Classification Sherloc (09022015). Collection method: clinical testing. Allele origin: germline.

PreventionGenetics, part of Exact Sciences
Classification: Likely benign for DICER1-related condition. Last evaluated: 2025-09-29. Review status: criteria provided, single submitter. Criteria: ACMG Guidelines, 2015. Collection method: clinical testing. Allele origin: germline.
Comment: This variant is classified as likely benign based on ACMG/AMP sequence variant interpretation guidelines (Richards et al. 2015 PMID: 25741868, with internal and published modifications).

KCCC/NGS Laboratory, Kuwait Cancer Control Center
Classification: Benign for Pleuropulmonary blastoma. Last evaluated: 2025-02-01. Review status: criteria provided, single submitter. Criteria: ACMG Guidelines, 2015. Collection method: clinical testing. Allele origin: germline. Affected: no.

Ambry Genetics
Classification: Likely benign for Hereditary cancer-predisposing syndrome. Last evaluated: 2017-07-19. Review status: criteria provided, single submitter. Criteria: Ambry Variant Classification Scheme 2023. Collection method: clinical testing. Allele origin: germline.